The following is an entry in ClinVar:

NM_000540.3(RYR1):c.6265A>G (p.Ser2089Gly)

Gene: RYR1 (ryanodine receptor 1; plus strand). Cytogenetic location: 19q13.2.
Variant type: single nucleotide variant.
Coding change: c.6265A>G on transcript NM_000540.3 (MANE Select); coding-DNA position 6265, A replaced by G.
Protein change: p.Ser2089Gly; replaces serine 2089 with glycine.
Molecular consequence: missense variant.
Genome position (GRCh38, 1-based): chr19:38,492,627, A>G. VCF-style: chr19-38492627-A-G. GRCh37 (hg19) VCF-style: chr19-38983267-A-G.
Other names: c.6265A>G, p.Ser2089Gly (NM_001042723.2); short protein forms S2089G.
Identifiers: ClinVar variation 3070121 (VCV003070121.1), dbSNP rs2514265488, ClinGen allele CA405662650.

ClinVar aggregate classification (germline): Uncertain significance (1 of 4 stars; one submission).

Conditions:
Malignant hyperthermia, susceptibility to, 1 (MHS1). Also called: RYR1-Related Malignant Hyperthermia Susceptibility; Anesthesia related hyperthermia; Malignant hyperpyrexia; Fulminating hyperpyrexia; Pharmacogenic myopathy; Malignant hyperthermia suceptibility 1. Identifiers: Orphanet 423, MedGen C2930980, MONDO:0007783, OMIM 145600.

Allele frequency attached by ClinVar (database versions not stated): gnomAD exomes below 0.00001.
gnomAD v4.1: 1 of 1,583,688 alleles (0.000063%); highest among the groups gnomAD compares: Non-Finnish European, 0.000086%; no homozygotes.

Submission:

All of Us Research Program, National Institutes of Health
Classification: Uncertain significance for Malignant hyperthermia, susceptibility to, 1. Last evaluated: 2023-04-03. Review status: criteria provided, single submitter. Criteria: ACMG Guidelines, 2015. Collection method: clinical testing. Allele origin: germline. Inheritance: Autosomal dominant inheritance. Observed: 1 variant allele, 1 heterozygote.
Comment: This missense variant replaces serine with glycine at codon 2089 of the RYR1 protein. Computational prediction suggests that this variant may not impact protein structure and function (internally defined REVEL score threshold <= 0.5, PMID: 27666373). To our knowledge, functional studies have not been reported for this variant. This variant has not been reported in individuals affected with RYR1-related disorders in the literature. This variant has not been identified in the general population by the Genome Aggregation Database (gnomAD). The available evidence is insufficient to determine the role of this variant in disease conclusively. Therefore, this variant is classified as a Variant of Uncertain Significance.

This study involves interpretation of variants in research participants for the purpose of population health screening. Participant phenotype was not available at the time of variant classification. Additional details can be found in publication PMID: 35346344, PMCID: PMC8962531